The following is an entry in ClinVar:

NM_001042492.3(NF1):c.693_694delinsCT (p.Thr232Ser)

Gene: NF1 (neurofibromin 1; plus strand). Cytogenetic location: 17q11.2.
Variant type: Indel.
Coding change: c.693_694delinsCT on transcript NM_001042492.3 (MANE Select); coding-DNA positions 693 to 694, TA replaced by CT.
Protein change: p.Thr232Ser; replaces threonine 232 with serine.
Molecular consequence: missense variant.
Genome position (GRCh38, 1-based): chr17:31,181,748-31,181,749, TA replaced by CT. VCF-style: chr17-31181748-TA-CT. GRCh37 (hg19) VCF-style: chr17-29508766-TA-CT.
Other names: c.693_694delTAinsCT (NM_000267.3); c.693_694delTAinsCT, p.Thr232Ser (NM_000267.4); c.693_694delinsCT, p.Thr232Ser (NM_001128147.3); short protein forms T232S.
Identifiers: ClinVar variation 527424 (VCV000527424.10), dbSNP rs1555608748, ClinGen allele CA658798746.

ClinVar aggregate classification (germline): Uncertain significance. Review status: criteria provided, multiple submitters, no conflicts (2 of 4 stars). 2 submissions from 2 submitters: Uncertain significance (2). Last evaluated 2025-05-01.

Conditions:
Cardiovascular phenotype. Identifiers: MedGen CN230736.
Hereditary cancer-predisposing syndrome. Also called: Neoplastic Syndromes, Hereditary; Tumor predisposition; Hereditary neoplastic syndrome; Hereditary Cancer Syndrome. Identifiers: Orphanet 140162, MedGen C0027672, MeSH D009386, MONDO:0015356.
Neurofibromatosis, type 1 (NF1). Also called: VON RECKLINGHAUSEN DISEASE; NEUROFIBROMATOSIS, TYPE I, SOMATIC; Peripheral type neurofibromatosis; Neurofibromatosis, type I. Identifiers: Orphanet 636, MedGen C0027831, MONDO:0018975, OMIM 162200. Disease mechanism: loss of function.

Submissions (2):

Ambry Genetics
Classification: Uncertain significance for Cardiovascular phenotype; Hereditary cancer-predisposing syndrome. Last evaluated: 2025-05-01. Review status: criteria provided, single submitter. Criteria: Ambry Variant Classification Scheme 2023. Collection method: clinical testing. Allele origin: germline.
Comment: The c.693_694delTAinsCT variant (also known as p.T232S), located in coding exon 7 of the NF1 gene, results from an in-frame deletion of TA and insertion of CT at nucleotide positions 693 to 694. This results in the substitution of the threonine residue for a serine residue at codon 232, an amino acid with similar properties. This amino acid position is highly conserved in available vertebrate species. In addition, this alteration is predicted to be neutral by in silico analysis (Choi Y et al. PLoS ONE. 2012; 7(10):e46688). Based on the available evidence, the clinical significance of this variant remains unclear.

Labcorp Genetics (formerly Invitae), Labcorp
Classification: Uncertain significance for Neurofibromatosis, type 1. Last evaluated: 2024-04-13. Review status: criteria provided, single submitter. Criteria: Invitae Variant Classification Sherloc (09022015). Collection method: clinical testing. Allele origin: germline.
Comment: This sequence change replaces threonine, which is neutral and polar, with serine, which is neutral and polar, at codon 232 of the NF1 protein (p.Thr232Ser). Information on the frequency of this variant in the gnomAD database is not available, as this variant may be reported differently in the database. This variant has not been reported in the literature in individuals affected with NF1-related conditions. ClinVar contains an entry for this variant (Variation ID: 527424). Experimental studies and prediction algorithms are not available or were not evaluated, and the functional significance of this variant is currently unknown. In summary, the available evidence is currently insufficient to determine the role of this variant in disease. Therefore, it has been classified as a Variant of Uncertain Significance.